The following is an entry in ClinVar:

NM_000492.4(CFTR):c.3508C>A (p.Pro1170Thr)

Genes: CFTR (CF transmembrane conductance regulator; plus strand), CFTR-AS2 (CFTR antisense RNA 2; minus strand). Cytogenetic location: 7q31.2.
Variant type: single nucleotide variant.
Coding change: c.3508C>A on transcript NM_000492.4 (MANE Select); coding-DNA position 3508, C replaced by A.
Protein change: p.Pro1170Thr; replaces proline 1170 with threonine.
Molecular consequence: missense variant.
Genome position (GRCh38, 1-based): chr7:117,627,561, C>A. VCF-style: chr7-117627561-C-A. GRCh37 (hg19) VCF-style: chr7-117267615-C-A.
Other names: short protein forms P1170T.
Identifiers: ClinVar variation 4843825 (VCV004843825.1).

ClinVar aggregate classification (germline): Uncertain significance (1 of 4 stars; one submission).

Conditions:
Cystic fibrosis (CF). Also called: MUCOVISCIDOSIS. Identifiers: Orphanet 586, MedGen C0010674, MONDO:0009061, OMIM 219700. Disease mechanism: loss of function.

gnomAD v4.1: 2 of 1,613,152 alleles (0.00012%); highest among the groups gnomAD compares: Non-Finnish European, 0.00017%; no homozygotes.

Submission:

Ambry Genetics
Classification: Uncertain significance for Cystic fibrosis. Last evaluated: 2025-12-27. Review status: criteria provided, single submitter. Criteria: Ambry Variant Classification Scheme 2023. Collection method: clinical testing. Allele origin: germline.
Comment: The p.P1170T variant (also known as c.3508C>A), located in coding exon 22 of the CFTR gene, results from a C to A substitution at nucleotide position 3508. The proline at codon 1170 is replaced by threonine, an amino acid with highly similar properties. This amino acid position is conserved. In addition, the in silico prediction for this alteration is inconclusive. Based on the available evidence, the clinical significance of this variant remains unclear.